The following is an entry in ClinVar:

NM_000552.5(VWF):c.2989G>A (p.Gly997Arg)

Gene: VWF (von Willebrand factor; minus strand). Cytogenetic location: 12p13.31.
Variant type: single nucleotide variant.
Coding change: c.2989G>A on transcript NM_000552.5 (MANE Select); coding-DNA position 2989, G replaced by A.
Protein change: p.Gly997Arg; replaces glycine 997 with arginine.
Molecular consequence: missense variant.
Genome position (GRCh38, 1-based): chr12:6,026,025, C>T on the plus strand (G>A on the coding strand, the complement: VWF is on the minus strand). VCF-style: chr12-6026025-C-T. GRCh37 (hg19) VCF-style: chr12-6135191-C-T.
Other names: short protein forms G997R.
Identifiers: ClinVar variation 3233873 (VCV003233873.2), dbSNP rs1565834646, ClinGen allele CA383515349.
Genomic context (GRCh38, chr12:6,026,025, plus strand): 5'-CTTCCTCCACTTGGAGGTTGCTGCTGGTGAGGTCATTGTTCTGGATGCCATCAAAATTCC[C>T]ACACAGGCCACACACTTTCTCCTTGAGAGACAAGTTGAGGGATGAGCACCGTCAAGCCCA-3'
Protein context (NP_000543.3, residues 987-1007): TYQEKVCGLC[Gly997Arg]NFDGIQNNDL

ClinVar aggregate classification (germline): Uncertain significance (1 of 4 stars; one submission).

Allele frequency attached by ClinVar (database versions not stated): gnomAD exomes below 0.00001; TOPMed below 0.00001; gnomAD 0.00001.
gnomAD v4.1: 3 of 1,613,852 alleles (0.00019%); highest among the groups gnomAD compares: Non-Finnish European, 0.00025%; no homozygotes.

Submission:

Women's Health and Genetics/Laboratory Corporation of America, LabCorp
Classification: Uncertain significance. Last evaluated: 2024-03-19. Review status: criteria provided, single submitter. Criteria: LabCorp Variant Classification Summary - May 2015. Collection method: clinical testing. Allele origin: germline.
Comment: Variant summary: VWF c.2989G>A (p.Gly997Arg) results in a non-conservative amino acid change located in the 3rd type D domain (IPR001846) of the encoded protein sequence. Five of five in-silico tools predict a damaging effect of the variant on protein function. The variant was absent in 251176 control chromosomes (gnomAD v2.1, exomes dataset). The available data on variant occurrences in the general population are insufficient to allow any conclusion about variant significance. To our knowledge, no occurrence of c.2989G>A in individuals affected with Von Willebrand Disease and no experimental evidence demonstrating its impact on protein function have been reported. No submitters have cited clinical-significance assessments for this variant to ClinVar. Based on the evidence outlined above, the variant was classified as uncertain significance.